The following is an entry in ClinVar:

NM_003098.3(SNTA1):c.817C>T (p.Pro273Ser)

Gene: SNTA1 (syntrophin alpha 1; minus strand). Cytogenetic location: 20q11.21.
Variant type: single nucleotide variant.
Coding change: c.817C>T on transcript NM_003098.3 (MANE Select); coding-DNA position 817, C replaced by T.
Protein change: p.Pro273Ser; replaces proline 273 with serine.
Molecular consequence: missense variant.
Genome position (GRCh38, 1-based): chr20:33,412,667, G>A on the plus strand (C>T on the coding strand, the complement: SNTA1 is on the minus strand). VCF-style: chr20-33412667-G-A. GRCh37 (hg19) VCF-style: chr20-32000473-G-A.
Other names: short protein forms P273S.
Identifiers: ClinVar variation 897983 (VCV000897983.16), dbSNP rs750459988, ClinGen allele CA9817134.

ClinVar aggregate classification (germline): Conflicting classifications of pathogenicity. Review status: criteria provided, conflicting classifications (1 of 4 stars). 5 submissions from 5 submitters: Uncertain significance (4); Likely benign (1). Last evaluated 2026-04-01.

Conditions:
Long QT syndrome (LQTS). Identifiers: MedGen C0023976, MeSH D008133, MONDO:0002442. Disease mechanism: loss of function. Inheritance: Various modes of inheritance.
Cardiovascular phenotype. Identifiers: MedGen CN230736.
Long QT syndrome 12 (LQT12). Identifiers: Orphanet 101016, Orphanet 768, MedGen C2751830, MONDO:0013062, OMIM 612955.

Allele frequency attached by ClinVar (database versions not stated): TOPMed 0.00003; gnomAD exomes 0.00005 and 0.00001; gnomAD 0.00003; ExAC 0.00002.
gnomAD v4.1: 84 of 1,613,798 alleles (0.0052%); highest among the groups gnomAD compares: Non-Finnish European, 0.0066%; no homozygotes.

Submissions (5):

Ambry Genetics
Classification: Likely benign for Cardiovascular phenotype. Last evaluated: 2026-04-01. Review status: criteria provided, single submitter. Criteria: Ambry Variant Classification Scheme 2023. Collection method: clinical testing. Allele origin: germline.

Labcorp Genetics (formerly Invitae), Labcorp
Classification: Uncertain significance for Long QT syndrome. Last evaluated: 2025-01-23. Review status: criteria provided, single submitter. Criteria: Invitae Variant Classification Sherloc (09022015). Collection method: clinical testing. Allele origin: germline.
Comment: This sequence change replaces proline, which is neutral and non-polar, with serine, which is neutral and polar, at codon 273 of the SNTA1 protein (p.Pro273Ser). This variant is present in population databases (rs750459988, gnomAD 0.003%). This variant has not been reported in the literature in individuals affected with SNTA1-related conditions. ClinVar contains an entry for this variant (Variation ID: 897983). Invitae Evidence Modeling of protein sequence and biophysical properties (such as structural, functional, and spatial information, amino acid conservation, physicochemical variation, residue mobility, and thermodynamic stability) indicates that this missense variant is not expected to disrupt SNTA1 protein function with a negative predictive value of 80%. In summary, the available evidence is currently insufficient to determine the role of this variant in disease. Therefore, it has been classified as a Variant of Uncertain Significance.

Fulgent Genetics
Classification: Uncertain significance for Long QT syndrome 12. Last evaluated: 2021-09-13. Review status: criteria provided, single submitter. Criteria: ACMG Guidelines, 2015. Collection method: clinical testing. Allele origin: unknown.

Center for Genomics, Ann and Robert H. Lurie Children's Hospital of Chicago
Classification: Uncertain significance for Long QT syndrome 12. Last evaluated: 2021-03-30. Review status: criteria provided, single submitter. Criteria: ACMG Guidelines, 2015. Collection method: clinical testing. Allele origin: germline.
Comment: SNTA1 NM_003098.2 exon 4 p.Pro273Ser (c.817C>T): This variant has not been reported in the literature and is present in 0.002% (3/113476) of European alleles in the Genome Aggregation Database. Evolutionary conservation and computational predictive tools for this variant are unclear. In summary, data on this variant is insufficient for disease classification. Therefore, the clinical significance of this variant is uncertain.

Illumina Laboratory Services, Illumina
Classification: Uncertain significance for Long QT syndrome 12. Last evaluated: 2018-01-12. Review status: criteria provided, single submitter. Criteria: ICSL Variant Classification Criteria 13 December 2019. Collection method: clinical testing. Allele origin: germline.